The following is an entry in ClinVar:

ClinVar aggregate classification (germline): Uncertain significance (1 of 4 stars; one submission).

Submission:

Labcorp Genetics (formerly Invitae), Labcorp
Classification: Uncertain significance. Last evaluated: 2025-07-15. Review status: criteria provided, single submitter. Criteria: Invitae Variant Classification Sherloc (09022015). Collection method: clinical testing. Allele origin: germline.
Comment: This sequence change affects codon 1168 of the COL11A2 mRNA. It is a 'silent' change, meaning that it does not change the encoded amino acid sequence of the COL11A2 protein. This variant is not present in population databases (gnomAD no frequency). This variant has not been reported in the literature in individuals affected with COL11A2-related conditions. Algorithms developed to predict the effect of sequence changes on RNA splicing suggest that this variant may disrupt the consensus splice site. In summary, the available evidence is currently insufficient to determine the role of this variant in disease. Therefore, it has been classified as a Variant of Uncertain Significance.

NM_080680.3(COL11A2):c.3504A>G (p.Gly1168=)

Gene: COL11A2 (collagen type XI alpha 2 chain; minus strand). Cytogenetic location: 6p21.32.
Variant type: single nucleotide variant.
Coding change: c.3504A>G on transcript NM_080680.3 (MANE Select); coding-DNA position 3504, A replaced by G.
Protein change: p.Gly1168=; no amino-acid change (glycine 1168 retained).
Molecular consequence: synonymous variant.
Genome position (GRCh38, 1-based): chr6:33,170,581, T>C on the plus strand (A>G on the coding strand, the complement: COL11A2 is on the minus strand). VCF-style: chr6-33170581-T-C. GRCh37 (hg19) VCF-style: chr6-33138358-T-C.
Other names: c.3324A>G, p.Gly1108= (NM_001424108.1); c.2658A>G, p.Gly886= (NM_001424109.1); c.2478A>G, p.Gly826= (NM_001424110.1, NM_001424111.1); c.1458A>G, p.Gly486= (NM_001424112.1); c.3183A>G, p.Gly1061= (NM_080679.3); c.3246A>G, p.Gly1082= (NM_080681.3).
Identifiers: ClinVar variation 4807965 (VCV004807965.1).